The following is an entry in ClinVar:

NM_002449.5(MSX2):c.254del (p.Gly85fs)

Gene: MSX2 (msh homeobox 2; plus strand). Cytogenetic location: 5q35.2.
Variant type: Deletion.
Coding change: c.254del on transcript NM_002449.5 (MANE Select); coding-DNA position 254, one base deleted (G; older notation c.254delG).
Protein change: p.Gly85fs; shifts the reading frame from glycine 85.
Molecular consequence: frameshift variant.
Genome position (GRCh38, 1-based): chr5:174,724,913, G deleted; the last of 2 consecutive G bases (chr5:174,724,912-174,724,913); deleting either gives the same sequence. VCF-style (leftmost placement, unchanged base first): chr5-174724911-CG-C. GRCh37 (hg19) VCF-style: chr5-174151914-CG-C.
Other names: c.254del, p.Gly85fs (NM_001363626.2); c.254delG (NM_002449.4); short protein forms G85fs.
Identifiers: ClinVar variation 2077106 (VCV002077106.5), dbSNP rs2480592535, ClinGen allele CA2580074045.

ClinVar aggregate classification (germline): Conflicting classifications of pathogenicity. Review status: criteria provided, conflicting classifications (1 of 4 stars). 2 submissions from 2 submitters: Pathogenic (1); Uncertain significance (1). Last evaluated 2024-09-10.

Conditions:
Inborn genetic diseases. Identifiers: MedGen C0950123, MeSH D030342.
Cranium bifidum occultum. Also called: CATLIN MARKS; Enlarged Parietal Foramina; CRANIUM BIFIDUM, HEREDITARY. Identifiers: MedGen C1868598, HP:0004423.

Submissions (2):

Ambry Genetics
Classification: Uncertain significance for Inborn genetic diseases. Last evaluated: 2024-09-10. Review status: criteria provided, single submitter. Criteria: Ambry Variant Classification Scheme 2023. Collection method: clinical testing. Allele origin: germline.
Comment: The c.254delG (p.G85Afs*12) alteration, located in exon 1 (coding exon 1) of the MSX2 gene, consists of a deletion of one nucleotide at position 254, causing a translational frameshift with a predicted alternate stop codon after 12 amino acids. This alteration is expected to result in premature protein truncation or nonsense-mediated mRNA decay. However, loss of function of MSX2 has not been established as a mechanism of disease. This variant was not reported in population-based cohorts in the Genome Aggregation Database (gnomAD). Based on insufficient or conflicting evidence, the clinical significance of this alteration remains unclear.

Labcorp Genetics (formerly Invitae), Labcorp
Classification: Pathogenic for Cranium bifidum occultum. Last evaluated: 2022-04-12. Review status: criteria provided, single submitter. Criteria: Invitae Variant Classification Sherloc (09022015). Collection method: clinical testing. Allele origin: germline.
Comment: This sequence change creates a premature translational stop signal (p.Gly85Alafs*12) in the MSX2 gene. It is expected to result in an absent or disrupted protein product. Loss-of-function variants in MSX2 are known to be pathogenic (PMID: 10742103, 10742104, 14571277). This variant is not present in population databases (gnomAD no frequency). This variant has not been reported in the literature in individuals affected with MSX2-related conditions. For these reasons, this variant has been classified as Pathogenic.

Literature cited by the submitters: PubMed 10742103 (cited by Labcorp Genetics (formerly Invitae), Labcorp); PubMed 10742104 (cited by Labcorp Genetics (formerly Invitae), Labcorp); PubMed 14571277 (cited by Labcorp Genetics (formerly Invitae), Labcorp).